The following is an entry in ClinVar:

ClinVar aggregate classification (germline): Uncertain significance (1 of 4 stars; one submission).

Conditions:
NRP1-related disorder. Also called: NRP1-related condition.

gnomAD v4.1: 4 of 1,612,720 alleles (0.00025%); highest among the groups gnomAD compares: Non-Finnish European, 0.00025%; no homozygotes.

Submission:

PreventionGenetics, part of Exact Sciences
Classification: Uncertain significance for NRP1-related condition. Last evaluated: 2025-04-29. Review status: criteria provided, single submitter. Criteria: ACMG Guidelines, 2015. Collection method: clinical testing. Allele origin: germline.
Comment: The NRP1 c.461C>G variant is predicted to result in the amino acid substitution p.Pro154Arg. To our knowledge, this variant has not been reported in the literature. This variant is reported in 0.0018% of alleles in individuals of European (Non-Finnish) descent in gnomAD. At this time, the clinical significance of this variant is uncertain due to the absence of conclusive functional and genetic evidence.

NM_003873.7(NRP1):c.461C>G (p.Pro154Arg)

Genes: NRP1 (neuropilin 1; minus strand), LOC126860910 (P300/CBP strongly-dependent group 1 enhancer GRCh37_chr10:33552654-33553853; plus strand). Cytogenetic location: 10p11.22.
Variant type: single nucleotide variant.
Coding change: c.461C>G on transcript NM_003873.7 (MANE Select); coding-DNA position 461, C replaced by G.
Protein change: p.Pro154Arg; replaces proline 154 with arginine.
Molecular consequence: missense variant. On other transcripts: non-coding transcript variant (1).
Genome position (GRCh38, 1-based): chr10:33,263,843, G>C on the plus strand (C>G on the coding strand, the complement: NRP1 is on the minus strand). VCF-style: chr10-33263843-G-C. GRCh37 (hg19) VCF-style: chr10-33552771-G-C.
Other names: c.461C>G, p.Pro154Arg (NM_001024628.3, NM_001024629.3, NM_001244972.2 and 2 more transcripts); short protein forms P154R.
Identifiers: ClinVar variation 5001462 (VCV005001462.1).